The following is an entry in ClinVar:

ClinVar aggregate classification (germline): Conflicting classifications of pathogenicity. Review status: criteria provided, conflicting classifications (1 of 4 stars). 3 submissions from 3 submitters: Uncertain significance (1); Likely benign (1). 1 of the submissions does not count toward it. Last evaluated 2022-09-16.

Conditions:
Hereditary cancer-predisposing syndrome. Also called: Tumor predisposition; Hereditary neoplastic syndrome; Neoplastic Syndromes, Hereditary; Hereditary Cancer Syndrome. Identifiers: Orphanet 140162, MedGen C0027672, MeSH D009386, MONDO:0015356.
Bloom syndrome (BLM). Also called: Bloom-Torre-Machacek syndrome. Identifiers: Orphanet 125, MedGen C0005859, MONDO:0008876, OMIM 210900.

Allele frequency attached by ClinVar (database versions not stated): gnomAD exomes below 0.00001.
gnomAD v4.1: 1 of 1,614,018 alleles (0.000062%); highest among the groups gnomAD compares: South Asian, 0.0011%; no homozygotes.

Submissions (3):

Ambry Genetics
Classification: Likely benign for Hereditary cancer-predisposing syndrome. Last evaluated: 2022-09-16. Review status: criteria provided, single submitter. Criteria: Ambry Variant Classification Scheme 2023. Collection method: clinical testing. Allele origin: germline.

Labcorp Genetics (formerly Invitae), Labcorp
Classification: Uncertain significance for Bloom syndrome. Last evaluated: 2021-08-28. Review status: criteria provided, single submitter. Criteria: Invitae Variant Classification Sherloc (09022015). Collection method: clinical testing. Allele origin: germline.
Comment: This sequence change replaces lysine with glutamic acid at codon 339 of the BLM protein (p.Lys339Glu). The lysine residue is weakly conserved and there is a small physicochemical difference between lysine and glutamic acid. This variant is not present in population databases (ExAC no frequency). This variant has not been reported in the literature in individuals affected with BLM-related conditions. Algorithms developed to predict the effect of missense changes on protein structure and function output the following: SIFT: "Tolerated"; PolyPhen-2: "Benign"; Align-GVGD: "Class C0". The glutamic acid amino acid residue is found in multiple mammalian species, which suggests that this missense change does not adversely affect protein function. In summary, the available evidence is currently insufficient to determine the role of this variant in disease. Therefore, it has been classified as a Variant of Uncertain Significance.

Natera, Inc.
Classification: Uncertain significance for Bloom syndrome. Last evaluated: 2020-11-25. Review status: no assertion criteria provided. Collection method: clinical testing. Allele origin: germline. Not counted in ClinVar's aggregate classification.

NM_000057.4(BLM):c.1015A>G (p.Lys339Glu)

Gene: BLM (BLM RecQ like helicase; plus strand). Cytogenetic location: 15q26.1.
Variant type: single nucleotide variant.
Coding change: c.1015A>G on transcript NM_000057.4 (MANE Select); coding-DNA position 1015, A replaced by G.
Protein change: p.Lys339Glu; replaces lysine 339 with glutamic acid.
Molecular consequence: missense variant. On other transcripts: 5 prime UTR variant (1).
Genome position (GRCh38, 1-based): chr15:90,754,866, A>G. VCF-style: chr15-90754866-A-G. GRCh37 (hg19) VCF-style: chr15-91298096-A-G.
Other names: c.1015A>G, p.Lys339Glu (NM_001287246.2, NM_001287247.2); c.-277A>G (NM_001287248.2); c.1015A>G (NM_000057.2); short protein forms K339E.
Identifiers: ClinVar variation 665394 (VCV000665394.11), dbSNP rs1596223833, ClinGen allele CA393842102.